The following is an entry in ClinVar:

ClinVar aggregate classification (germline): Pathogenic. Review status: criteria provided, multiple submitters, no conflicts (2 of 4 stars). 6 submissions from 6 submitters: Pathogenic (5). 1 of the submissions does not count toward it. Last evaluated 2026-01-23.

Conditions:
ANKRD11-related disorder. Also called: ANKRD11-related condition.
KBG syndrome (KBGS). Also called: ANKRD11-Related KBG Syndrome. Identifiers: Orphanet 2332, MedGen C0220687, MONDO:0007846, OMIM 148050.

Submissions (6):

GeneDx
Classification: Pathogenic. Last evaluated: 2026-01-23. Review status: criteria provided, single submitter. Criteria: GeneDx Variant Classification Process June 2021. Collection method: clinical testing. Allele origin: germline. Affected: yes.
Comment: Nonsense variant predicted to result in protein truncation or nonsense mediated decay in a gene for which loss of function is a known mechanism of disease; Not observed at significant frequency in large population cohorts (gnomAD); This variant is associated with the following publications: (PMID: 40251579, 35330407, 37586838, 35599849)

Variantyx, Inc.
Classification: Pathogenic for KBG syndrome. Last evaluated: 2025-07-02. Review status: criteria provided, single submitter. Criteria: Variantyx Assertion Criteria 2022. Collection method: clinical testing. Allele origin: de novo. Inheritance: Autosomal dominant inheritance. Affected: yes.
Comment: This is a nonsense variant in the ANKRD11 gene (OMIM: 611192). Pathogenic variants in this gene have been associated with autosomal dominant KBG syndrome. This variant introduces a premature termination codon in exon 9 out of 13 and is expected to result in loss of function, which is a known disease mechanism for ANKRD11 in this disorder (PMID: 37586838) (PVS1). This variant is absent from control populations (PM2). Based on the current evidence, this variant is classified as pathogenic for autosomal dominant KBG syndrome.

Labcorp Genetics (formerly Invitae), Labcorp
Classification: Pathogenic for KBG syndrome. Last evaluated: 2025-04-19. Review status: criteria provided, single submitter. Criteria: Invitae Variant Classification Sherloc (09022015). Collection method: clinical testing. Allele origin: germline.
Comment: This sequence change creates a premature translational stop signal (p.Arg1188*) in the ANKRD11 gene. It is expected to result in an absent or disrupted protein product. Loss-of-function variants in ANKRD11 are known to be pathogenic (PMID: 21782149, 25125236, 25413698, 25652421). This variant is not present in population databases (gnomAD no frequency). This premature translational stop signal has been observed in individual(s) with KBG syndrome (PMID: 35330407, 37586838). In at least one individual the variant was observed to be de novo. ClinVar contains an entry for this variant (Variation ID: 280480). For these reasons, this variant has been classified as Pathogenic.

Servicio de Genética Del Instituto Nacional de Salud Del Niño, Ministerio de Salud
Classification: Pathogenic for KBG syndrome. Last evaluated: 2024-11-18. Review status: criteria provided, single submitter. Criteria: ACMG Guidelines, 2015. Collection method: clinical testing. Allele origin: germline. Inheritance: Autosomal dominant inheritance. Affected: yes.
Comment: The variant NM_001256182.2:p.Arg1188* introduces a premature stop codon at position 1188, which is likely to result in a truncated protein or nonsense-mediated decay (NMD). This is a loss-of-function variant that is predicted to disrupt normal protein function. Based on ACMG/AMP guidelines, this variant meets the criteria for PS4, PVS1, PM2, and PP5, supporting its classification as pathogenic. The evidence includes the loss of a critical functional domain due to the premature stop codon and the predicted deleterious effect of the variant.

Blueprint Genetics
Classification: Pathogenic for ANKRD11-related disorders. Last evaluated: 2022-03-23. Review status: criteria provided, single submitter. Criteria: ACMG Guidelines, 2015. Collection method: clinical testing. Allele origin: germline. Affected: yes. Observed: 2 variant alleles.

Molecular Genetics Laboratory, BC Children's and BC Women's Hospitals
Classification: Pathogenic for KBG syndrome. Last evaluated: 2017-07-13. Review status: no assertion criteria provided. Criteria: ACMG Guidelines, 2015. Collection method: clinical testing. Allele origin: de novo. Affected: yes. Not counted in ClinVar's aggregate classification.

Literature cited by the submitters: PubMed 37586838 (cited by Variantyx, Inc. and Labcorp Genetics (formerly Invitae), Labcorp); PubMed 35599849 (cited by Variantyx, Inc.); PubMed 21782149 (cited by Labcorp Genetics (formerly Invitae), Labcorp); PubMed 25125236 (cited by Labcorp Genetics (formerly Invitae), Labcorp); PubMed 25413698 (cited by Labcorp Genetics (formerly Invitae), Labcorp); PubMed 25652421 (cited by Labcorp Genetics (formerly Invitae), Labcorp); PubMed 35330407 (cited by Labcorp Genetics (formerly Invitae), Labcorp).

NM_013275.6(ANKRD11):c.3562C>T (p.Arg1188Ter)

Gene: ANKRD11 (ankyrin repeat domain 11; minus strand). Cytogenetic location: 16q24.3.
Variant type: single nucleotide variant.
Coding change: c.3562C>T on transcript NM_013275.6 (MANE Select); coding-DNA position 3562, C replaced by T.
Protein change: p.Arg1188Ter; replaces arginine 1188 with a stop codon.
Molecular consequence: nonsense.
Genome position (GRCh38, 1-based): chr16:89,282,980, G>A on the plus strand (C>T on the coding strand, the complement: ANKRD11 is on the minus strand). VCF-style: chr16-89282980-G-A. GRCh37 (hg19) VCF-style: chr16-89349388-G-A.
Other names: c.3562C>T, p.Arg1188Ter (NM_001256182.2, NM_001256183.2); short protein forms R1188*.
Identifiers: ClinVar variation 280480 (VCV000280480.8), dbSNP rs761848111, ClinGen allele CA10603423.